The following is an entry in ClinVar:

NM_032043.3(BRIP1):c.2677A>T (p.Asn893Tyr)

Gene: BRIP1 (BRCA1 interacting DNA helicase 1; minus strand). Cytogenetic location: 17q23.2.
Variant type: single nucleotide variant.
Coding change: c.2677A>T on transcript NM_032043.3 (MANE Select); coding-DNA position 2677, A replaced by T.
Protein change: p.Asn893Tyr; replaces asparagine 893 with tyrosine.
Molecular consequence: missense variant.
Genome position (GRCh38, 1-based): chr17:61,686,064, T>A on the plus strand (A>T on the coding strand, the complement: BRIP1 is on the minus strand). VCF-style: chr17-61686064-T-A. GRCh37 (hg19) VCF-style: chr17-59763425-T-A.
Other names: short protein forms N893Y.
Identifiers: ClinVar variation 3261802 (VCV003261802.1).

ClinVar aggregate classification (germline): Uncertain significance (1 of 4 stars; one submission).

Conditions:
Hereditary cancer-predisposing syndrome. Also called: Hereditary Cancer Syndrome; Tumor predisposition; Hereditary neoplastic syndrome; Neoplastic Syndromes, Hereditary. Identifiers: Orphanet 140162, MedGen C0027672, MeSH D009386, MONDO:0015356.

Submission:

Ambry Genetics
Classification: Uncertain significance for Hereditary cancer-predisposing syndrome. Last evaluated: 2024-04-11. Review status: criteria provided, single submitter. Criteria: Ambry Variant Classification Scheme 2023. Collection method: clinical testing. Allele origin: germline.
Comment: The p.N893Y variant (also known as c.2677A>T), located in coding exon 18 of the BRIP1 gene, results from an A to T substitution at nucleotide position 2677. The asparagine at codon 893 is replaced by tyrosine, an amino acid with dissimilar properties. This amino acid position is conserved. In addition, this alteration is predicted to be tolerated by in silico analysis. Based on the available evidence, the clinical significance of this variant remains unclear.